The following is an entry in ClinVar:

NM_015937.6(PIGT):c.686C>T (p.Ala229Val)

Gene: PIGT (phosphatidylinositol glycan anchor biosynthesis class T; plus strand). Cytogenetic location: 20q13.12.
Variant type: single nucleotide variant.
Coding change: c.686C>T on transcript NM_015937.6 (MANE Select); coding-DNA position 686, C replaced by T.
Protein change: p.Ala229Val; replaces alanine 229 with valine.
Molecular consequence: missense variant. On other transcripts: non-coding transcript variant (5).
Genome position (GRCh38, 1-based): chr20:45,420,140, C>T. VCF-style: chr20-45420140-C-T. GRCh37 (hg19) VCF-style: chr20-44048780-C-T.
Other names: c.518C>T, p.Ala173Val (NM_001184728.3); c.686C>T, p.Ala229Val (NM_001184729.3); c.380C>T, p.Ala127Val (NM_001184730.3); short protein forms A127V, A229V, A173V.
Identifiers: ClinVar variation 4737066 (VCV004737066.1).
Genomic context (GRCh38, chr20:45,420,140, plus strand): 5'-GGGCTGTGTGGTGAGAGTGATACCCCCTCACTGCTGCCATCTGGCCCTTGTGATAGAATG[C>T]ACGCTGTACTAGCATCTCCTGGGAGCTGAGGCAGACCCTGTCAGTTGTATTTGATGCCTT-3'
Protein context (NP_057021.2, residues 219-239): AVHIRPVCRN[Ala229Val]RCTSISWELR

ClinVar aggregate classification (germline): Uncertain significance (1 of 4 stars; one submission).

Conditions:
Multiple congenital anomalies-hypotonia-seizures syndrome 3 (MCAHS3). Also called: GLYCOSYLPHOSPHATIDYLINOSITOL BIOSYNTHESIS DEFECT 7. Identifiers: Orphanet 369837, MedGen C3809356, MONDO:0014165, OMIM 615398.

gnomAD v4.1: 8 of 1,610,022 alleles (0.0005%); highest among the groups gnomAD compares: African/African-American, 0.0094%; 1 homozygote.

Submission:

Labcorp Genetics (formerly Invitae), Labcorp
Classification: Uncertain significance for Multiple congenital anomalies-hypotonia-seizures syndrome 3. Last evaluated: 2025-11-27. Review status: criteria provided, single submitter. Criteria: Invitae Variant Classification Sherloc (09022015). Collection method: clinical testing. Allele origin: germline.
Comment: This sequence change replaces alanine, which is neutral and non-polar, with valine, which is neutral and non-polar, at codon 229 of the PIGT protein (p.Ala229Val). This variant is present in population databases (rs770537800, gnomAD 0.02%). This variant has not been reported in the literature in individuals affected with PIGT-related conditions. Invitae Evidence Modeling of protein sequence and biophysical properties (such as structural, functional, and spatial information, amino acid conservation, physicochemical variation, residue mobility, and thermodynamic stability) indicates that this missense variant is not expected to disrupt PIGT protein function with a negative predictive value of 95%. In summary, the available evidence is currently insufficient to determine the role of this variant in disease. Therefore, it has been classified as a Variant of Uncertain Significance.